The following is an entry in ClinVar:

NM_000179.3(MSH6):c.962C>G (p.Ser321Ter)

Gene: MSH6 (mutS homolog 6; plus strand). Cytogenetic location: 2p16.3.
Variant type: single nucleotide variant.
Coding change: c.962C>G on transcript NM_000179.3 (MANE Select); coding-DNA position 962, C replaced by G.
Protein change: p.Ser321Ter; replaces serine 321 with a stop codon.
Molecular consequence: nonsense.
Genome position (GRCh38, 1-based): chr2:47,798,945, C>G. VCF-style: chr2-47798945-C-G. GRCh37 (hg19) VCF-style: chr2-48026084-C-G.
Other names: c.572C>G, p.Ser191Ter (NM_001281492.2); c.56C>G, p.Ser19Ter (NM_001281493.2, NM_001281494.2); short protein forms S19*, S321*, S191*.
Identifiers: ClinVar variation 1455653 (VCV001455653.9), dbSNP rs1472853525, ClinGen allele CA346740911.

ClinVar aggregate classification (germline): Pathogenic. Review status: criteria provided, multiple submitters, no conflicts (2 of 4 stars). 3 submissions from 3 submitters: Pathogenic (3). Last evaluated 2023-08-11.

Conditions:
Hereditary nonpolyposis colorectal neoplasms. Identifiers: MedGen C0009405, MeSH D003123.
Hereditary cancer-predisposing syndrome. Also called: Tumor predisposition; Neoplastic Syndromes, Hereditary; Hereditary Cancer Syndrome; Hereditary neoplastic syndrome. Identifiers: Orphanet 140162, MedGen C0027672, MeSH D009386, MONDO:0015356.
Lynch syndrome 5 (LYNCH5). Also called: Colorectal cancer, hereditary nonpolyposis, type 5; Hereditary non-polyposis colorectal cancer, type 5. Identifiers: Orphanet 144, MedGen C1833477, MONDO:0013710, OMIM 614350. Disease mechanism: loss of function.

Allele frequency attached by ClinVar (database versions not stated): TOPMed 0.00001.

Submissions (3):

Myriad Genetics, Inc.
Classification: Pathogenic for Lynch syndrome 5. Last evaluated: 2023-08-11. Review status: criteria provided, single submitter. Criteria: Myriad Autosomal Dominant, Autosomal Recessive and X-Linked Classification Criteria (2023). Collection method: clinical testing. Allele origin: unknown.
Comment: This variant is considered pathogenic. This variant creates a termination codon and is predicted to result in premature protein truncation.

Labcorp Genetics (formerly Invitae), Labcorp
Classification: Pathogenic for Hereditary nonpolyposis colorectal neoplasms. Last evaluated: 2021-06-09. Review status: criteria provided, single submitter. Criteria: Invitae Variant Classification Sherloc (09022015). Collection method: clinical testing. Allele origin: germline.
Comment: This sequence change creates a premature translational stop signal (p.Ser321*) in the MSH6 gene. It is expected to result in an absent or disrupted protein product. Loss-of-function variants in MSH6 are known to be pathogenic (PMID: 18269114, 24362816). For these reasons, this variant has been classified as Pathogenic. This variant has not been reported in the literature in individuals with MSH6-related conditions. This variant is not present in population databases (ExAC no frequency).

Ambry Genetics
Classification: Pathogenic for Hereditary cancer-predisposing syndrome. Last evaluated: 2020-03-10. Review status: criteria provided, single submitter. Criteria: Ambry Variant Classification Scheme 2023. Collection method: clinical testing. Allele origin: germline.
Comment: The p.S321* pathogenic mutation (also known as c.962C>G), located in coding exon 4 of the MSH6 gene, results from a C to G substitution at nucleotide position 962. This changes the amino acid from a serine to a stop codon within coding exon 4. This alteration is expected to result in loss of function by premature protein truncation or nonsense-mediated mRNA decay. As such, this alteration is interpreted as a disease-causing mutation.

Literature cited by the submitters: PubMed 18269114 (cited by Labcorp Genetics (formerly Invitae), Labcorp); PubMed 24362816 (cited by Labcorp Genetics (formerly Invitae), Labcorp).